The following is an entry in ClinVar:

ClinVar aggregate classification (germline): Conflicting classifications of pathogenicity. Review status: criteria provided, conflicting classifications (1 of 4 stars). 2 submissions from 2 submitters: Uncertain significance (1); Likely benign (1). Last evaluated 2022-12-19.

Conditions:
Inborn genetic diseases. Identifiers: MedGen C0950123, MeSH D030342.

Allele frequency attached by ClinVar (database versions not stated): gnomAD exomes 0.00003; ExAC 0.00007; gnomAD 0.00022; ESP Exome Variant Server 0.00023; TOPMed 0.00030.
gnomAD v4.1: 77 of 1,613,894 alleles (0.0048%); highest among the groups gnomAD compares: African/African-American, 0.064%; no homozygotes.

Submissions (2):

Ambry Genetics
Classification: Likely benign for Inborn genetic diseases. Last evaluated: 2022-12-19. Review status: criteria provided, single submitter. Criteria: Ambry Variant Classification Scheme 2023. Collection method: clinical testing. Allele origin: germline.

Labcorp Genetics (formerly Invitae), Labcorp
Classification: Uncertain significance. Last evaluated: 2022-06-19. Review status: criteria provided, single submitter. Criteria: Invitae Variant Classification Sherloc (09022015). Collection method: clinical testing. Allele origin: germline.
Comment: This sequence change replaces arginine, which is basic and polar, with glutamine, which is neutral and polar, at codon 628 of the PLOD3 protein (p.Arg628Gln). This variant is present in population databases (rs148219926, gnomAD 0.06%). This variant has not been reported in the literature in individuals affected with PLOD3-related conditions. Algorithms developed to predict the effect of missense changes on protein structure and function (SIFT, PolyPhen-2, Align-GVGD) all suggest that this variant is likely to be tolerated. In summary, the available evidence is currently insufficient to determine the role of this variant in disease. Therefore, it has been classified as a Variant of Uncertain Significance.

NM_001084.5(PLOD3):c.1883G>A (p.Arg628Gln)

Gene: PLOD3 (procollagen-lysine,2-oxoglutarate 5-dioxygenase 3; minus strand). Cytogenetic location: 7q22.1.
Variant type: single nucleotide variant.
Coding change: c.1883G>A on transcript NM_001084.5 (MANE Select); coding-DNA position 1883, G replaced by A.
Protein change: p.Arg628Gln; replaces arginine 628 with glutamine.
Molecular consequence: missense variant.
Genome position (GRCh38, 1-based): chr7:101,207,630, C>T on the plus strand (G>A on the coding strand, the complement: PLOD3 is on the minus strand). VCF-style: chr7-101207630-C-T. GRCh37 (hg19) VCF-style: chr7-100850911-C-T.
Other names: c.1883G>A (NM_001084.4); short protein forms R628Q.
Identifiers: ClinVar variation 2177347 (VCV002177347.2), dbSNP rs148219926, ClinGen allele CA4407491.